The following is an entry in ClinVar:

NM_000051.4(ATM):c.3320_3323del (p.Arg1106_Leu1107insTer)

Gene: ATM (ATM serine/threonine kinase; plus strand). Cytogenetic location: 11q22.3.
Variant type: Deletion.
Coding change: c.3320_3323del on transcript NM_000051.4 (MANE Select); coding-DNA positions 3320 to 3323, 4 bases deleted (TACT; older notation c.3320_3323delTACT).
Protein change: p.Arg1106_Leu1107insTer.
Molecular consequence: nonsense.
Genome position (GRCh38, 1-based): chr11:108,279,526-108,279,529, TACT deleted; deleting any 4 consecutive bases within chr11:108,279,525-108,279,529 gives the same sequence; the c. name uses the placement nearest the transcript's 3' end. VCF-style (leftmost placement, unchanged base first): chr11-108279524-GTTAC-G. GRCh37 (hg19) VCF-style: chr11-108150251-GTTAC-G.
Other names: c.3320_3323delTACT (NM_000051.3); c.3320_3323del, p.Arg1106_Leu1107insTer (NM_001351834.2).
Identifiers: ClinVar variation 549936 (VCV000549936.4), dbSNP rs1555090139, ClinGen allele CA658823324.

ClinVar aggregate classification (germline): Pathogenic. Review status: criteria provided, multiple submitters, no conflicts (2 of 4 stars). 3 submissions from 3 submitters: Pathogenic (2). 1 of the submissions does not count toward it. Last evaluated 2025-03-20.

Conditions:
Familial cancer of breast. Also called: BREAST CANCER, FAMILIAL; Hereditary breast cancer; hereditary breast carcinoma. Identifiers: Orphanet 227535, MedGen C0346153, MONDO:0016419, OMIM 114480. Disease mechanism: loss of function.
Ataxia-telangiectasia syndrome (AT). Also called: Ataxia-telangiectasia, complementation group D; ATAXIA-TELANGIECTASIA, COMPLEMENTATION GROUP A; ATAXIA-TELANGIECTASIA, FRESNO VARIANT; Ataxia-telangiectasia; LOUIS-BAR SYNDROME; AT, COMPLEMENTATION GROUP C. Identifiers: Orphanet 100, MedGen C0004135, MONDO:0008840, OMIM 208900.

Submissions (3):

Labcorp Genetics (formerly Invitae), Labcorp
Classification: Pathogenic for Ataxia-telangiectasia syndrome. Last evaluated: 2025-03-20. Review status: criteria provided, single submitter. Criteria: Invitae Variant Classification Sherloc (09022015). Collection method: clinical testing. Allele origin: germline.
Comment: This sequence change creates a premature translational stop signal (p.Leu1107*) in the ATM gene. It is expected to result in an absent or disrupted protein product. Loss-of-function variants in ATM are known to be pathogenic (PMID: 23807571, 25614872). This variant is not present in population databases (gnomAD no frequency). This variant has not been reported in the literature in individuals affected with ATM-related conditions. ClinVar contains an entry for this variant (Variation ID: 549936). For these reasons, this variant has been classified as Pathogenic.

Myriad Genetics, Inc.
Classification: Pathogenic for Familial cancer of breast. Last evaluated: 2024-01-17. Review status: criteria provided, single submitter. Criteria: Myriad Autosomal Dominant, Autosomal Recessive and X-Linked Classification Criteria (2023). Collection method: clinical testing. Allele origin: unknown.
Comment: This variant is considered pathogenic. This variant creates a termination codon and is predicted to result in premature protein truncation.

Counsyl
Classification: Likely pathogenic for Ataxia-telangiectasia syndrome. Last evaluated: 2017-11-21. Review status: no assertion criteria provided. Collection method: clinical testing. Allele origin: unknown. Not counted in ClinVar's aggregate classification.

Literature cited by the submitters: PubMed 23807571 (cited by Labcorp Genetics (formerly Invitae), Labcorp); PubMed 25614872 (cited by Labcorp Genetics (formerly Invitae), Labcorp).